The following is an entry in ClinVar:

NM_001173990.3(TMEM216):c.2T>A (p.Met1Lys)

Gene: TMEM216 (transmembrane protein 216; plus strand). Cytogenetic location: 11q12.2.
Variant type: single nucleotide variant.
Coding change: c.2T>A on transcript NM_001173990.3 (MANE Select); coding-DNA position 2, T replaced by A.
Protein change: p.Met1Lys; changes the start codon (methionine 1).
Molecular consequence: missense variant, initiator codon variant. On other transcripts: 5 prime UTR variant (2).
Genome position (GRCh38, 1-based): chr11:61,392,633, T>A. VCF-style: chr11-61392633-T-A. GRCh37 (hg19) VCF-style: chr11-61160105-T-A.
Other names: c.2T>A, p.Met1Lys (NM_001173991.3); c.-196T>A (NM_001330285.2, NM_016499.6); short protein forms M1K.
Identifiers: ClinVar variation 556222 (VCV000556222.7), dbSNP rs1554972406, ClinGen allele CA380684458.
Genomic context (GRCh38, chr11:61,392,633, plus strand): 5'-GCCGCTTCGTCCCTGTTTCCGGCAGCGCCGCGCTGCTCCGGGAGCCGCTGTGGCAGCGTA[T>A]GCTGCCACGGGGACTGAAGATGGCGCCGCGAGGTGAGATTCCGGAGGTGTGTGAGTCGCT-3'
Protein context (NP_001167461.1, residues 1-11): [Met1Lys]LPRGLKMAPR

ClinVar aggregate classification (germline): Uncertain significance. Review status: criteria provided, single submitter (1 of 4 stars). 2 submissions from 2 submitters: Uncertain significance (1). 1 of the submissions does not count toward it. Last evaluated 2022-08-16.

Conditions:
Joubert syndrome 2 (JBTS2). Also called: CEREBELLOOCULORENAL SYNDROME 2. Identifiers: Orphanet 2318, MedGen C1842577, MONDO:0011963, OMIM 608091.
Meckel syndrome, type 2 (MKS2). Also called: MKS2-Related Meckel Syndrome; MECKEL-GRUBER SYNDROME, TYPE 2. Identifiers: Orphanet 564, MedGen C1864148, MONDO:0011296, OMIM 603194.
Joubert syndrome. Also called: Familial aplasia of the vermis; CEREBELLOPARENCHYMAL DISORDER IV; JOUBERT-BOLTSHAUSER SYNDROME. Identifiers: Orphanet 475, MedGen C5979921, MONDO:0018772.

Allele frequency attached by ClinVar (database versions not stated): TOPMed below 0.00001; gnomAD 0.00001.

Submissions (2):

Labcorp Genetics (formerly Invitae), Labcorp
Classification: Uncertain significance for Joubert syndrome. Last evaluated: 2022-08-16. Review status: criteria provided, single submitter. Criteria: Invitae Variant Classification Sherloc (09022015). Collection method: clinical testing. Allele origin: germline.
Comment: This sequence change affects the initiator methionine of the TMEM216 mRNA. The next in-frame methionine is located at codon 8. This variant is not present in population databases (gnomAD no frequency). This variant has not been reported in the literature in individuals affected with TMEM216-related conditions. ClinVar contains an entry for this variant (Variation ID: 556222). In summary, the available evidence is currently insufficient to determine the role of this variant in disease. Therefore, it has been classified as a Variant of Uncertain Significance.

Counsyl
Classification: Uncertain significance for Meckel syndrome, type 2; Joubert syndrome 2. Last evaluated: 2018-01-18. Review status: no assertion criteria provided. Collection method: clinical testing. Allele origin: unknown. Not counted in ClinVar's aggregate classification.